The following is an entry in ClinVar:

NM_015164.4(PLEKHM2):c.2756del (p.Gly919fs)

Gene: PLEKHM2 (pleckstrin homology and RUN domain containing M2; plus strand). Cytogenetic location: 1p36.21.
Variant type: Deletion.
Coding change: c.2756del on transcript NM_015164.4 (MANE Select); coding-DNA position 2756, one base deleted (G; older notation c.2756delG).
Protein change: p.Gly919fs; shifts the reading frame from glycine 919.
Molecular consequence: frameshift variant.
Genome position (GRCh38, 1-based): chr1:15,732,480, G deleted; the last of 3 consecutive G bases (chr1:15,732,478-15,732,480); deleting any one gives the same sequence. VCF-style (leftmost placement, unchanged base first): chr1-15732477-TG-T. GRCh37 (hg19) VCF-style: chr1-16058972-TG-T.
Other names: short protein forms G919fs.
Identifiers: ClinVar variation 1024878 (VCV001024878.7), dbSNP rs774574426, ClinGen allele CA617335.
Genomic context (GRCh38, chr1:15,732,477, plus strand): 5'-TCTTTACGTGCCATGAGGATTGCCAGACCAGCTTCTTCCGCTCTTTGGGCACAGCCAAGC[TG>T]GGCGACATCAGCGCCGTCTCCACCGAGCCGGGCAAGGAGTACTGCGTCTTGGTGAGCTTT-3'

ClinVar aggregate classification (germline): Uncertain significance (1 of 4 stars; one submission).

Submission:

Labcorp Genetics (formerly Invitae), Labcorp
Classification: Uncertain significance. Last evaluated: 2021-12-03. Review status: criteria provided, single submitter. Criteria: Invitae Variant Classification Sherloc (09022015). Collection method: clinical testing. Allele origin: germline.
Comment: In summary, the available evidence is currently insufficient to determine the role of this variant in disease. Therefore, it has been classified as a Variant of Uncertain Significance. ClinVar contains an entry for this variant (Variation ID: 1024878). This variant has not been reported in the literature in individuals affected with PLEKHM2-related conditions. This variant is present in population databases (rs774574426, gnomAD 0.002%). This sequence change creates a premature translational stop signal (p.Gly919Alafs*34) in the PLEKHM2 gene. It is expected to result in an absent or disrupted protein product. However, the current clinical and genetic evidence is not sufficient to establish whether loss-of-function variants in PLEKHM2 cause disease.